The following is an entry in ClinVar:

ClinVar aggregate classification (germline): Likely benign. Review status: criteria provided, multiple submitters, no conflicts (2 of 4 stars). 2 submissions from 2 submitters: Likely benign (2). Last evaluated 2025-06-22.

Conditions:
Familial cancer of breast. Also called: Hereditary breast cancer; hereditary breast carcinoma; BREAST CANCER, FAMILIAL. Identifiers: Orphanet 227535, MedGen C0346153, MONDO:0016419, OMIM 114480. Disease mechanism: loss of function.

Submissions (2):

Labcorp Genetics (formerly Invitae), Labcorp
Classification: Likely benign for Familial cancer of breast. Last evaluated: 2025-06-22. Review status: criteria provided, single submitter. Criteria: Invitae Variant Classification Sherloc (09022015). Collection method: clinical testing. Allele origin: germline.

Myriad Genetics, Inc.
Classification: Likely benign for Familial cancer of breast. Last evaluated: 2025-01-14. Review status: criteria provided, single submitter. Criteria: Myriad Autosomal Dominant, Autosomal Recessive and X-Linked Classification Criteria (2023). Collection method: clinical testing. Allele origin: unknown.
Comment: This variant is considered likely benign. This variant is intronic and is not expected to impact mRNA splicing.

NM_024675.4(PALB2):c.1685-3dup

Gene: PALB2 (partner and localizer of BRCA2; minus strand). Cytogenetic location: 16p12.2.
Variant type: Duplication.
Coding change: c.1685-3dup on transcript NM_024675.4 (MANE Select); 3 bases into the intron before coding-DNA position 1685, one base duplicated (T; older notation c.1685-3dupT).
Molecular consequence: intron variant.
Genome position (GRCh38, 1-based): chr16:23,630,472, A duplicated on the plus strand (T on the coding strand, the reverse complement: PALB2 is on the minus strand); the first of 3 consecutive A bases (chr16:23,630,472-23,630,474); duplicating any one gives the same sequence. VCF-style (leftmost placement, unchanged base first): chr16-23630471-T-TA. GRCh37 (hg19) VCF-style: chr16-23641792-T-TA.
Identifiers: ClinVar variation 1534895 (VCV001534895.10), dbSNP rs2142391465, ClinGen allele CA2573152158.